The following is an entry in ClinVar:

ClinVar aggregate classification (germline): Uncertain significance. Review status: criteria provided, multiple submitters, no conflicts (2 of 4 stars). 2 submissions from 2 submitters: Uncertain significance (2). Last evaluated 2025-08-27.

Conditions:
DCHS1-related disorder. Also called: DCHS1-related condition.

Submissions (2):

PreventionGenetics, part of Exact Sciences
Classification: Uncertain significance for DCHS1-related condition. Last evaluated: 2025-08-27. Review status: criteria provided, single submitter. Criteria: ACMG Guidelines, 2015. Collection method: clinical testing. Allele origin: germline.
Comment: The DCHS1 c.4846G>T variant is predicted to result in the amino acid substitution p.Val1616Leu. To our knowledge, this variant has not been reported in the literature. This variant is reported in 0.0016% of alleles in individuals of European (Non-Finnish) descent in gnomAD. At this time, the clinical significance of this variant is uncertain due to the absence of conclusive functional and genetic evidence.

Labcorp Genetics (formerly Invitae), Labcorp
Classification: Uncertain significance. Last evaluated: 2023-05-09. Review status: criteria provided, single submitter. Criteria: Invitae Variant Classification Sherloc (09022015). Collection method: clinical testing. Allele origin: germline.
Comment: This sequence change replaces valine, which is neutral and non-polar, with leucine, which is neutral and non-polar, at codon 1616 of the DCHS1 protein (p.Val1616Leu). This variant is present in population databases (rs779300715, gnomAD 0.002%). This variant has not been reported in the literature in individuals affected with DCHS1-related conditions. Advanced modeling of protein sequence and biophysical properties (such as structural, functional, and spatial information, amino acid conservation, physicochemical variation, residue mobility, and thermodynamic stability) performed at Invitae indicates that this missense variant is not expected to disrupt DCHS1 protein function. In summary, the available evidence is currently insufficient to determine the role of this variant in disease. Therefore, it has been classified as a Variant of Uncertain Significance.

NM_003737.4(DCHS1):c.4846G>T (p.Val1616Leu)

Gene: DCHS1 (dachsous cadherin-related 1; minus strand). Cytogenetic location: 11p15.4.
Variant type: single nucleotide variant.
Coding change: c.4846G>T on transcript NM_003737.4 (MANE Select); coding-DNA position 4846, G replaced by T.
Protein change: p.Val1616Leu; replaces valine 1616 with leucine.
Molecular consequence: missense variant.
Genome position (GRCh38, 1-based): chr11:6,629,861, C>A on the plus strand (G>T on the coding strand, the complement: DCHS1 is on the minus strand). VCF-style: chr11-6629861-C-A. GRCh37 (hg19) VCF-style: chr11-6651092-C-A.
Other names: c.4846G>T (NM_003737.3); short protein forms V1616L.
Identifiers: ClinVar variation 2967244 (VCV002967244.4), dbSNP rs779300715, ClinGen allele CA5860247.
Genomic context (GRCh38, chr11:6,629,861, plus strand): 5'-TCAGGACCTGCGTGGCCGAGCGCGGCGGGGAGCCGTGGTCTGAGGCCACCACTGTCAGTA[C>A]GTGCTCAGCTCGTTGTTCGCGGTCCAACGGCCGCACCACGGACAGCGCTCCTAGGTGAGC-3'
Protein context (NP_003728.1, residues 1606-1626): PLDREQRAEH[Val1616Leu]LTVVASDHGS